The following is an entry in ClinVar:

NM_001270508.2(TNFAIP3):c.237C>G (p.Ser79Arg)

Gene: TNFAIP3 (TNF alpha induced protein 3; plus strand). Cytogenetic location: 6q23.3.
Variant type: single nucleotide variant.
Coding change: c.237C>G on transcript NM_001270508.2 (MANE Select); coding-DNA position 237, C replaced by G.
Protein change: p.Ser79Arg; replaces serine 79 with arginine.
Molecular consequence: missense variant.
Genome position (GRCh38, 1-based): chr6:137,871,464, C>G. VCF-style: chr6-137871464-C-G. GRCh37 (hg19) VCF-style: chr6-138192601-C-G.
Other names: c.237C>G, p.Ser79Arg (NM_001270507.2, NM_006290.4); short protein forms S79R.
Identifiers: ClinVar variation 1487489 (VCV001487489.9), dbSNP rs148028402, ClinGen allele CA4019366.
Genomic context (GRCh38, chr6:137,871,464, plus strand): 5'-GTTTCGGGAGATCATCCACAAAGCCCTCATCGACAGAAACATCCAGGCCACCCTGGAAAG[C>G]CAGAAGAAACTCAACTGGTGTCGAGAAGTCCGGAAGCTTGTGGCGCTGAAAACGAACGGT-3'
Protein context (NP_001257437.1, residues 69-89): IDRNIQATLE[Ser79Arg]QKKLNWCREV

ClinVar aggregate classification (germline): Uncertain significance. Review status: criteria provided, multiple submitters, no conflicts (2 of 4 stars). 2 submissions from 2 submitters: Uncertain significance (2). Last evaluated 2025-09-23.

Allele frequency attached by ClinVar (database versions not stated): gnomAD exomes 0.00001 and 0.00002; ExAC 0.00002; gnomAD 0.00005; ESP Exome Variant Server 0.00008.
gnomAD v4.1: 23 of 1,614,026 alleles (0.0014%); highest among the groups gnomAD compares: Middle Eastern, 0.016%; no homozygotes.

Submissions (2):

Labcorp Genetics (formerly Invitae), Labcorp
Classification: Uncertain significance. Last evaluated: 2025-09-23. Review status: criteria provided, single submitter. Criteria: Invitae Variant Classification Sherloc (09022015). Collection method: clinical testing. Allele origin: germline.
Comment: This sequence change replaces serine, which is neutral and polar, with arginine, which is basic and polar, at codon 79 of the TNFAIP3 protein (p.Ser79Arg). This variant is present in population databases (rs148028402, gnomAD 0.004%). This missense change has been observed in individual(s) with autoimmune disease (PMID: 21326317). ClinVar contains an entry for this variant (Variation ID: 1487489). Invitae Evidence Modeling of protein sequence and biophysical properties (such as structural, functional, and spatial information, amino acid conservation, physicochemical variation, residue mobility, and thermodynamic stability) indicates that this missense variant is not expected to disrupt TNFAIP3 protein function with a negative predictive value of 80%. In summary, the available evidence is currently insufficient to determine the role of this variant in disease. Therefore, it has been classified as a Variant of Uncertain Significance.

Blueprint Genetics
Classification: Uncertain significance. Last evaluated: 2022-10-26. Review status: criteria provided, single submitter. Criteria: ACMG Guidelines, 2015. Collection method: clinical testing. Allele origin: germline.

Literature cited by the submitters: PubMed 21326317 (cited by Labcorp Genetics (formerly Invitae), Labcorp).